The following is an entry in ClinVar:

NM_001267550.2(TTN):c.53096G>A (p.Arg17699His)

Genes: TTN (titin; minus strand), TTN-AS1 (TTN antisense RNA 1; plus strand), LOC126806425 (BRD4-independent group 4 enhancer GRCh37_chr2:179471933-179473132; plus strand). Cytogenetic location: 2q31.2.
Variant type: single nucleotide variant.
Coding change: c.53096G>A on transcript NM_001267550.2 (MANE Select); coding-DNA position 53096, G replaced by A.
Protein change: p.Arg17699His; replaces arginine 17699 with histidine.
Molecular consequence: missense variant.
Genome position (GRCh38, 1-based): chr2:178,607,592, C>T on the plus strand (G>A on the coding strand, the complement: TTN is on the minus strand). VCF-style: chr2-178607592-C-T. GRCh37 (hg19) VCF-style: chr2-179472319-C-T.
Other names: p.R16058H:CGC>CAC; c.48173G>A, p.Arg16058His (NM_001256850.1); c.25901G>A, p.Arg8634His (NM_003319.4); c.45392G>A, p.Arg15131His (NM_133378.4); c.26276G>A, p.Arg8759His (NM_133432.3); c.26477G>A, p.Arg8826His (NM_133437.4); c.53096G>A (NM_001267550.1); short protein forms R17699H, R15131H, R16058H, R8634H, R8826H, R8759H.
Identifiers: ClinVar variation 47070 (VCV000047070.83), dbSNP rs72646808, ClinGen allele CA139912.

ClinVar aggregate classification (germline): Conflicting classifications of pathogenicity. Review status: criteria provided, conflicting classifications (1 of 4 stars). 22 submissions from 18 submitters: Uncertain significance (3); Benign (6); Likely benign (11). 2 of the submissions do not count toward it. Last evaluated 2026-08-01.

Conditions:
TTN-related disorder. Also called: TTN-related disorders; TTN-related condition; TTN-related disease.
Cardiovascular phenotype. Identifiers: MedGen CN230736.
Autosomal recessive limb-girdle muscular dystrophy type 2J (LGMDR10). Also called: MUSCULAR DYSTROPHY, LIMB-GIRDLE, AUTOSOMAL RECESSIVE 10; Limb-girdle muscular dystrophy, type 2J. Identifiers: Orphanet 140922, MedGen C1837342, MONDO:0012127, OMIM 608807.
Dilated cardiomyopathy 1G (CMD1G). Identifiers: Orphanet 154, MedGen C1858763, MONDO:0011400, OMIM 604145.
Cardiomyopathy (CMYO). Also called: Cardiomyopathies. Identifiers: Orphanet 167848, MedGen C0878544, MONDO:0004994, HP:0001638. Inheritance: Various modes of inheritance.
Early-onset myopathy with fatal cardiomyopathy (CMYO5). Also called: CONGENITAL MYOPATHY 5 WITH CARDIOMYOPATHY; Salih Myopathy. Identifiers: Orphanet 289377, MedGen C2673677, MONDO:0012714, OMIM 611705. Disease mechanism: loss of function.
Myopathy, myofibrillar, 9, with early respiratory failure (MFM9). Also called: Myopathy, distal, with early respiratory failure, autosomal dominant; Hereditary myopathy with early respiratory failure; EDSTROM MYOPATHY; MYOPATHY, PROXIMAL, WITH EARLY RESPIRATORY MUSCLE INVOLVEMENT. Identifiers: Orphanet 178464, Orphanet 34521, MedGen C1863599, MONDO:0011362, OMIM 603689.
Tibial muscular dystrophy (TMD). Also called: Tibial muscular dystrophy, tardive; Udd Distal Myopathy – Tibial Muscular Dystrophy; UDD MYOPATHY. Identifiers: Orphanet 609, MedGen C1838244, MONDO:0010870, OMIM 600334.
Primary dilated cardiomyopathy (DCM). Also called: Dilated Cardiomyopathy. Identifiers: Orphanet 217604, MedGen C0007193, MeSH D002311, MONDO:0005021, HP:0001644. Inheritance: Various modes of inheritance.
Tip-toe gait. Also called: Toe walking. Identifiers: MedGen C0427144, HP:0030051.

Allele frequency attached by ClinVar (database versions not stated): 1000 Genomes Project 0.00120; ExAC 0.00198; 1000 Genomes Project 30x 0.00109; TOPMed 0.00174; ESP Exome Variant Server 0.00226; gnomAD 0.00118.
gnomAD v4.1: 3,616 of 1,613,116 alleles (0.22%); highest among the groups gnomAD compares: Non-Finnish European, 0.27%; 3 homozygotes.

Submissions (22):

CeGaT Center for Human Genetics Tuebingen
Classification: Likely benign. Last evaluated: 2026-08-01. Review status: criteria provided, single submitter. Criteria: CeGaT Center For Human Genetics Tuebingen Variant Classification Criteria Version 2. Collection method: clinical testing. Allele origin: germline. Affected: yes. Observed: 34 variant alleles.
Comment: TTN: BP4

Labcorp Genetics (formerly Invitae), Labcorp
Classification: Likely benign for Dilated cardiomyopathy 1G; Autosomal recessive limb-girdle muscular dystrophy type 2J. Last evaluated: 2026-02-03. Review status: criteria provided, single submitter. Criteria: Invitae Variant Classification Sherloc (09022015). Collection method: clinical testing. Allele origin: germline.

Athena Diagnostics
Classification: Benign. Last evaluated: 2025-10-10. Review status: criteria provided, single submitter. Criteria: Athena Diagnostics Criteria. Collection method: clinical testing. Allele origin: unknown.
Comment: The frequency of this variant in the general population is higher than would generally be expected for pathogenic variants in this gene.

Molecular Diagnostic Laboratory for Inherited Cardiovascular Disease, Montreal Heart Institute
Classification: Likely benign. Last evaluated: 2025-04-09. Review status: criteria provided, single submitter. Criteria: ACMG Guidelines, 2015. Collection method: clinical testing. Allele origin: germline. Affected: no.

Blueprint Genetics
Classification: Likely benign. Last evaluated: 2024-11-26. Review status: criteria provided, single submitter. Criteria: ACMG Guidelines, 2015. Collection method: clinical testing. Allele origin: germline.

Mayo Clinic Laboratories, Mayo Clinic
Classification: Likely benign. Last evaluated: 2024-11-08. Review status: criteria provided, single submitter. Criteria: ACMG Guidelines, 2015. Collection method: clinical testing. Allele origin: germline. Observed: 12 variant alleles.
Comment: BS1

Women's Health and Genetics/Laboratory Corporation of America, LabCorp
Classification: Likely benign. Last evaluated: 2024-02-05. Review status: criteria provided, single submitter. Criteria: LabCorp Variant Classification Summary - May 2015. Collection method: clinical testing. Allele origin: germline.

ARUP Laboratories, Molecular Genetics and Genomics, ARUP Laboratories
Classification: Likely benign. Last evaluated: 2023-11-01. Review status: criteria provided, single submitter. Criteria: ARUP Molecular Germline Variant Investigation Process 2024. Collection method: clinical testing. Allele origin: germline.

CHEO Genetics Diagnostic Laboratory, Children's Hospital of Eastern Ontario
Classification: Benign for Cardiomyopathy. Last evaluated: 2019-09-09. Review status: criteria provided, single submitter. Criteria: ACMG Guidelines, 2015. Collection method: clinical testing. Allele origin: germline. Study: Canadian Open Genetics Repository.

Center for Advanced Laboratory Medicine, UC San Diego Health, University of California San Diego
Classification: Benign for Dilated cardiomyopathy. Last evaluated: 2019-05-08. Review status: criteria provided, single submitter. Criteria: ACMG Guidelines, 2015. Collection method: clinical testing. Allele origin: germline. Affected: yes. Observed: 2 variant alleles.

Ambry Genetics
Classification: Likely benign for Cardiovascular phenotype. Last evaluated: 2018-11-21. Review status: criteria provided, single submitter. Criteria: Ambry Variant Classification Scheme 2023. Collection method: clinical testing. Allele origin: germline.

Illumina Laboratory Services, Illumina
Classification: Benign for Myopathy, myofibrillar, 9, with early respiratory failure. Last evaluated: 2018-01-13. Review status: criteria provided, single submitter. Criteria: ICSL Variant Classification Criteria 13 December 2019. Collection method: clinical testing. Allele origin: germline.
Comment: This variant was observed in the ICSL laboratory as part of a predisposition screen in an ostensibly healthy population. It had not been previously curated by ICSL or reported in the Human Gene Mutation Database (HGMD: prior to June 1st, 2018), and was therefore a candidate for classification through an automated scoring system. Utilizing variant allele frequency, disease prevalence and penetrance estimates, and inheritance mode, an automated score was calculated to assess if this variant is too frequent to cause the disease. Based on the score and internal cut-off values, a variant classified as benign is not then subjected to further curation. The score for this variant resulted in a classification of benign for this disease.

Illumina Laboratory Services, Illumina
Classification: Uncertain significance for Dilated cardiomyopathy 1G. Last evaluated: 2018-01-13. Review status: criteria provided, single submitter. Criteria: ICSL Variant Classification Criteria 13 December 2019. Collection method: clinical testing. Allele origin: germline.

Illumina Laboratory Services, Illumina
Classification: Uncertain significance for Early-onset myopathy with fatal cardiomyopathy. Last evaluated: 2018-01-13. Review status: criteria provided, single submitter. Criteria: ICSL Variant Classification Criteria 13 December 2019. Collection method: clinical testing. Allele origin: germline.

Illumina Laboratory Services, Illumina
Classification: Uncertain significance for Autosomal recessive limb-girdle muscular dystrophy type 2J. Last evaluated: 2018-01-13. Review status: criteria provided, single submitter. Criteria: ICSL Variant Classification Criteria 13 December 2019. Collection method: clinical testing. Allele origin: germline.

Illumina Laboratory Services, Illumina
Classification: Benign for Tibial muscular dystrophy. Last evaluated: 2018-01-13. Review status: criteria provided, single submitter. Criteria: ICSL Variant Classification Criteria 13 December 2019. Collection method: clinical testing. Allele origin: germline.
Comment: the same text as in the submission from Illumina Laboratory Services, Illumina above.

Laboratory for Molecular Medicine, Mass General Brigham Personalized Medicine
Classification: Benign. Last evaluated: 2017-10-26. Review status: criteria provided, single submitter. Criteria: LMM Criteria. Collection method: clinical testing. Allele origin: germline. Observed: 8 variant alleles.
Comment: p.Arg15131His in Exon 226 of TTN: This variant is not expected to have clinical significance because it has been identified in 0.3% (354/125276) of European chr omosomes including 1 homozygote by the Genome Aggregation Database (gnomAD; dbSNP rs72646808). BA1

GeneDx
Classification: Likely benign. Last evaluated: 2017-09-11. Review status: criteria provided, single submitter. Criteria: GeneDx Variant Classification (06012015). Collection method: clinical testing. Allele origin: germline. Affected: yes.
Comment: This variant is considered likely benign or benign based on one or more of the following criteria: it is a conservative change, it occurs at a poorly conserved position in the protein, it is predicted to be benign by multiple in silico algorithms, and/or has population frequency not consistent with disease.

Eurofins Ntd Llc (ga)
Classification: Likely benign. Last evaluated: 2015-08-20. Review status: criteria provided, single submitter. Criteria: EGL Classification Definitions 2015. Collection method: clinical testing. Allele origin: germline. Observed: 1 variant allele, 1 heterozygote.

Biesecker Lab/Clinical Genomics Section, National Institutes of Health
Classification: Likely benign. Last evaluated: 2013-06-24. Review status: criteria provided, single submitter. Criteria: Ng et al. (Circ Cardiovasc Genet. 2013). Collection method: research. Allele origin: unknown. Observed: 3 variant alleles. Study: ClinSeq.
Comment: The study set was not selected for affection status in relation to any cancer. Pathogenicity categories were based on literature curation. See Pubmed ID:23861362 for details.

Medical sequencing

PreventionGenetics, part of Exact Sciences
Classification: Likely benign for TTN-related condition. Last evaluated: 2019-06-27. Review status: no assertion criteria provided. Collection method: clinical testing. Allele origin: germline. Not counted in ClinVar's aggregate classification.
Comment: This variant is classified as likely benign based on ACMG/AMP sequence variant interpretation guidelines (Richards et al. 2015 PMID: 25741868, with internal and published modifications).

Practice for Gait Abnormalities, David Pomarino, Competency Network Toe Walking C/o Practice Pomarino
Classification: Likely pathogenic for Tip-toe gait. Review status: no assertion criteria provided. Collection method: clinical testing. Allele origin: germline. Affected: yes. Not counted in ClinVar's aggregate classification.
Comment: Myopathy refers to diseases that affect skeletal Muscles. These diseases attack muscle fibers, making muscles weak. Inherited myopathies are often caused by inheriting an abnormal gene mutation from a parent that causes the disease. Symptoms of congenital myopathies usually start at birth or in early childhood, but may not appear until the teen years or even later in adulthood. Congenital myopathies are somewhat unique compared with other inherited myopathies, as weakness typically affects all muscles and is often not progressive. Symptoms are: Muscle weakness, most commonly of upper arms and shoulders and thighs, muscle cramps, stiffness and spasms, fatigue with exertion and lack of energy. Our patients all walk on tiptoe, so they show similar symptoms. When we genetically test them with our toe walking panel, we find that around 90 per cent of them have a genetic variant that explains their toe walking. These can be assigned, for example, to the area of myopathies (such as variants of the COL6A3 gene), the area of hereditary neuropathies (such as variants of the KMT2C gene) or the area of metabolic diseases (such as variants of the PYGM gene). In a smaller group of patients with almost identical symptoms, no abnormality is found in the genes of our panel, but spastic paraplegia can be detected. In another small group of our toe walkers, no abnormalities can be detected in the genes analysed in our toe walking panel, nor do they suffer from spastic paraplegia, as is also the case with healthy children. In contrast to these, however, they show a tiptoe gait. These patients suffer from infantile cerebral palsy, in which toe walking can also be observed.

Literature cited by the submitters: PubMed 35207729 (cited by Athena Diagnostics); PubMed 23861362 (cited by Athena Diagnostics and Ambry Genetics); PubMed 24503780 (cited by Athena Diagnostics and Ambry Genetics); PubMed 32403337 (cited by Mayo Clinic Laboratories, Mayo Clinic); PubMed 23396983 (cited by Ambry Genetics); PubMed 37091313 (cited by Practice for Gait Abnormalities, David Pomarino, Competency Network Toe Walking C/o Practice Pomarino).